The following is an entry in ClinVar:

NM_000129.4(F13A1):c.1503C>A (p.Tyr501Ter)

Gene: F13A1 (coagulation factor XIII A chain; minus strand). Cytogenetic location: 6p25.1.
Variant type: single nucleotide variant.
Coding change: c.1503C>A on transcript NM_000129.4 (MANE Select); coding-DNA position 1503, C replaced by A.
Protein change: p.Tyr501Ter; replaces tyrosine 501 with a stop codon.
Molecular consequence: nonsense.
Genome position (GRCh38, 1-based): chr6:6,174,824, G>T on the plus strand (C>A on the coding strand, the complement: F13A1 is on the minus strand). VCF-style: chr6-6174824-G-T. GRCh37 (hg19) VCF-style: chr6-6175057-G-T.
Other names: p.Tyr501*; short protein forms Y501*.
Identifiers: ClinVar variation 1705952 (VCV001705952.4), dbSNP rs372036357, ClinGen allele CA362662365.

ClinVar aggregate classification (germline): Pathogenic (1 of 4 stars; one submission).

Submission:

Mayo Clinic Laboratories, Mayo Clinic
Classification: Pathogenic. Last evaluated: 2021-05-16. Review status: criteria provided, single submitter. Criteria: ACMG Guidelines, 2015. Collection method: clinical testing. Allele origin: germline.
Comment: PVS1, PM2, PM3

Literature cited by the submitters: PubMed 32596782.